The following is an entry in ClinVar:

ClinVar aggregate classification (germline): Conflicting classifications of pathogenicity. Review status: criteria provided, conflicting classifications (1 of 4 stars). 3 submissions from 3 submitters: Uncertain significance (1); Likely benign (2). Last evaluated 2025-02-06.

Conditions:
Renal-hepatic-pancreatic dysplasia 1 (RHPD1). Identifiers: MedGen C3715199, MONDO:0008833, OMIM 208540.
Nephronophthisis 3 (NPHP3). Also called: Adolescent nephronophthisis. Identifiers: Orphanet 655, MedGen C1858392, MONDO:0011456, OMIM 604387.
NPHP3-related Meckel-like syndrome. Also called: Meckel syndrome type 7; GOLDSTON SYNDROME. Identifiers: Orphanet 3032, MedGen C2673885, MONDO:0009966, OMIM 267010.
NPHP3-related disorder. Also called: NPHP3-related condition; NPHP3-related disorders. Identifiers: MedGen CN379163.
Nephronophthisis. Also called: Juvenile Nephronophthisis. Identifiers: Orphanet 655, MedGen C0687120, MONDO:0019005, HP:0000090.

gnomAD v4.1: 5 of 1,614,022 alleles (0.00031%); highest among the groups gnomAD compares: Admixed American, 0.005%; no homozygotes.

Submissions (3):

PreventionGenetics, part of Exact Sciences
Classification: Uncertain significance for NPHP3-related condition. Last evaluated: 2025-02-06. Review status: criteria provided, single submitter. Criteria: ACMG Guidelines, 2015. Collection method: clinical testing. Allele origin: germline.
Comment: The NPHP3 c.2884-4C>A variant is predicted to interfere with splicing. To our knowledge, this variant has not been reported in the literature. This variant is reported in 0.0087% of alleles in individuals of Latino descent in gnomAD. Although we suspect that this variant may be benign, at this time, the clinical significance of this variant is uncertain due to the absence of conclusive functional and genetic evidence.

Labcorp Genetics (formerly Invitae), Labcorp
Classification: Likely benign for Nephronophthisis. Last evaluated: 2024-11-24. Review status: criteria provided, single submitter. Criteria: Invitae Variant Classification Sherloc (09022015). Collection method: clinical testing. Allele origin: germline.

Fulgent Genetics
Classification: Likely benign for Renal-hepatic-pancreatic dysplasia 1; NPHP3-related Meckel-like syndrome; Nephronophthisis 3. Last evaluated: 2022-04-01. Review status: criteria provided, single submitter. Criteria: ACMG Guidelines, 2015. Collection method: clinical testing. Allele origin: unknown.

NM_153240.5(NPHP3):c.2884-4C>A

Genes: NPHP3 (nephrocystin 3; minus strand), NPHP3-ACAD11 (NPHP3-ACAD11 readthrough (NMD candidate); minus strand). Cytogenetic location: 3q22.1.
Variant type: single nucleotide variant.
Coding change: c.2884-4C>A on transcript NM_153240.5 (MANE Select); 4 bases into the intron before coding-DNA position 2884, C replaced by A.
Molecular consequence: intron variant.
Genome position (GRCh38, 1-based): chr3:132,688,895, G>T on the plus strand (C>A on the coding strand, the complement: NPHP3 is on the minus strand). VCF-style: chr3-132688895-G-T. GRCh37 (hg19) VCF-style: chr3-132407739-G-T.
Other names: c.2884-4C>A (NM_153240.4).
Identifiers: ClinVar variation 1546785 (VCV001546785.10), dbSNP rs185913426, ClinGen allele CA546419861.